The following is an entry in ClinVar:

NM_152490.5(B3GALNT2):c.802G>A (p.Val268Met)

Gene: B3GALNT2 (beta-1,3-N-acetylgalactosaminyltransferase 2; minus strand). Cytogenetic location: 1q42.3.
Variant type: single nucleotide variant.
Coding change: c.802G>A on transcript NM_152490.5 (MANE Select); coding-DNA position 802, G replaced by A.
Protein change: p.Val268Met; replaces valine 268 with methionine.
Molecular consequence: missense variant.
Genome position (GRCh38, 1-based): chr1:235,465,675, C>T on the plus strand (G>A on the coding strand, the complement: B3GALNT2 is on the minus strand). VCF-style: chr1-235465675-C-T. GRCh37 (hg19) VCF-style: chr1-235628992-C-T.
Other names: B3GALNT2, VAL268MET; c.925G>A, p.Val309Met (NM_001277155.3); short protein forms V268M, V309M.
Identifiers: ClinVar variation 41938 (VCV000041938.8), dbSNP rs367543074, ClinGen allele CA231752.

ClinVar aggregate classification (germline): Uncertain significance. Review status: criteria provided, multiple submitters, no conflicts (2 of 4 stars). 5 submissions from 5 submitters: Uncertain significance (2). 3 of the submissions do not count toward it. Last evaluated 2022-05-09.

Conditions:
Muscular dystrophy-dystroglycanopathy (congenital with brain and eye anomalies), type a, 11 (MDDGA11). Also called: Muscular dystrophy-dystroglycanopathy (congenital with brain and eye anomalies, type A, 11; WALKER-WARBURG SYNDROME OR MUSCLE-EYE-BRAIN DISEASE, B3GALNT2-RELATED; Congenital muscular dystrophy-dystroglycanopathy with brain and eye anomalies, type A11. Identifiers: Orphanet 588, Orphanet 899, MedGen C3554638, MONDO:0014071, OMIM 615181.

Allele frequency attached by ClinVar (database versions not stated): gnomAD exomes 0.00001; TOPMed below 0.00001.
gnomAD v4.1: 13 of 1,614,074 alleles (0.00081%); highest among the groups gnomAD compares: Middle Eastern, 0.12%; no homozygotes.

Submissions (5):

Labcorp Genetics (formerly Invitae), Labcorp
Classification: Uncertain significance for Muscular dystrophy-dystroglycanopathy (congenital with brain and eye anomalies), type a, 11. Last evaluated: 2022-05-09. Review status: criteria provided, single submitter. Criteria: Invitae Variant Classification Sherloc (09022015). Collection method: clinical testing. Allele origin: germline.
Comment: In summary, the available evidence is currently insufficient to determine the role of this variant in disease. Therefore, it has been classified as a Variant of Uncertain Significance. Algorithms developed to predict the effect of sequence changes on RNA splicing suggest that this variant may disrupt the consensus splice site. Experimental studies are conflicting or provide insufficient evidence to determine the effect of this variant on B3GALNT2 function (PMID: 23453667, 29273094). Algorithms developed to predict the effect of missense changes on protein structure and function (SIFT, PolyPhen-2, Align-GVGD) all suggest that this variant is likely to be tolerated. ClinVar contains an entry for this variant (Variation ID: 41938). This missense change has been observed in individual(s) with congenital muscular dystrophy (PMID: 23453667). This variant is present in population databases (rs367543074, gnomAD 0.003%). This sequence change replaces valine, which is neutral and non-polar, with methionine, which is neutral and non-polar, at codon 268 of the B3GALNT2 protein (p.Val268Met).

Breakthrough Genomics
Classification: Uncertain significance. Review status: criteria provided, single submitter. Criteria: ACMG Guidelines, 2015. Collection method: not provided. Allele origin: germline. Inheritance: Autosomal recessive inheritance. Affected: yes.

ClinVar Staff, National Center for Biotechnology Information (NCBI)
Classification: Likely pathogenic for Congenital muscular dystrophy-dystroglycanopathy with brain and eye anomalies, type A11. Last evaluated: 2013-06-27. Review status: no assertion criteria provided. Collection method: literature only. Allele origin: germline. Affected: yes. Not counted in ClinVar's aggregate classification.

OMIM
Classification: Pathogenic for MUSCULAR DYSTROPHY-DYSTROGLYCANOPATHY (CONGENITAL WITH BRAIN AND EYE ANOMALIES), TYPE A, 11. Last evaluated: 2013-03-07. Review status: no assertion criteria provided. Collection method: literature only. Allele origin: germline. Not counted in ClinVar's aggregate classification.

Leiden Muscular Dystrophy pages (B3GALNT2)
No classification provided. Review status: no classification provided. Collection method: not provided. Allele origin: germline, unknown. Not counted in ClinVar's aggregate classification.
Comment: has functional consequence

Literature cited by the submitters: PubMed 23453667 (cited by 3 submitters); PubMed 29273094 (cited by Labcorp Genetics (formerly Invitae), Labcorp).